The following is an entry in ClinVar:

ClinVar aggregate classification (germline): Uncertain significance (1 of 4 stars; one submission).

Allele frequency attached by ClinVar (database versions not stated): gnomAD 0.00001; gnomAD exomes 0.00001 and 0.00002; TOPMed 0.00001.

Submission:

Labcorp Genetics (formerly Invitae), Labcorp
Classification: Uncertain significance. Last evaluated: 2024-05-15. Review status: criteria provided, single submitter. Criteria: Invitae Variant Classification Sherloc (09022015). Collection method: clinical testing. Allele origin: germline.
Comment: This sequence change replaces asparagine, which is neutral and polar, with serine, which is neutral and polar, at codon 1827 of the CELSR2 protein (p.Asn1827Ser). This variant is present in population databases (no rsID available, gnomAD 0.009%). This variant has not been reported in the literature in individuals affected with CELSR2-related conditions. ClinVar contains an entry for this variant (Variation ID: 1439438). Advanced modeling of protein sequence and biophysical properties (such as structural, functional, and spatial information, amino acid conservation, physicochemical variation, residue mobility, and thermodynamic stability) performed at Invitae indicates that this missense variant is not expected to disrupt CELSR2 protein function with a negative predictive value of 80%. In summary, the available evidence is currently insufficient to determine the role of this variant in disease. Therefore, it has been classified as a Variant of Uncertain Significance.

NM_001408.3(CELSR2):c.5480A>G (p.Asn1827Ser)

Gene: CELSR2 (cadherin EGF LAG seven-pass G-type receptor 2; plus strand). Cytogenetic location: 1p13.3.
Variant type: single nucleotide variant.
Coding change: c.5480A>G on transcript NM_001408.3 (MANE Select); coding-DNA position 5480, A replaced by G.
Protein change: p.Asn1827Ser; replaces asparagine 1827 with serine.
Molecular consequence: missense variant.
Genome position (GRCh38, 1-based): chr1:109,264,883, A>G. VCF-style: chr1-109264883-A-G. GRCh37 (hg19) VCF-style: chr1-109807505-A-G.
Other names: short protein forms N1827S.
Identifiers: ClinVar variation 1439438 (VCV001439438.6), dbSNP rs1378436712, ClinGen allele CA341502576.